The following is an entry in ClinVar:

NM_001014437.3(CARS1):c.768A>G (p.Arg256=)

Genes: CARS1-AS1 (CARS1 antisense RNA 1; plus strand), CARS1 (cysteinyl-tRNA synthetase 1; minus strand). Cytogenetic location: 11p15.4.
Variant type: single nucleotide variant.
Coding change: c.768A>G on transcript NM_001014437.3 (MANE Select); coding-DNA position 768, A replaced by G.
Protein change: p.Arg256=; no amino-acid change (arginine 256 retained).
Molecular consequence: synonymous variant. On other transcripts: non-coding transcript variant (4).
Genome position (GRCh38, 1-based): chr11:3,038,083, T>C on the plus strand (A>G on the coding strand, the complement: CARS1 is on the minus strand). VCF-style: chr11-3038083-T-C. GRCh37 (hg19) VCF-style: chr11-3059313-T-C.
Other names: c.768A>G, p.Arg256= (NM_001194997.2); c.558A>G, p.Arg186= (NM_001378136.1); c.489A>G, p.Arg163= (NM_001378137.1, NM_001378138.1, NM_001378139.1); c.243A>G, p.Arg81= (NM_001378140.1); c.519A>G, p.Arg173= (NM_001751.6, NM_139273.4).
Identifiers: ClinVar variation 2641514 (VCV002641514.24), dbSNP rs2494510940, ClinGen allele CA472483196.

ClinVar aggregate classification (germline): Likely benign (1 of 4 stars; one submission).

Allele frequency attached by ClinVar (database versions not stated): gnomAD exomes 0.00001.
gnomAD v4.1: 15 of 1,614,056 alleles (0.00093%); highest among the groups gnomAD compares: Non-Finnish European, 0.0012%; no homozygotes.

Submission:

CeGaT Center for Human Genetics Tuebingen
Classification: Likely benign. Last evaluated: 2022-06-01. Review status: criteria provided, single submitter. Criteria: CeGaT Center For Human Genetics Tuebingen Variant Classification Criteria Version 2. Collection method: clinical testing. Allele origin: germline. Affected: yes. Observed: 1 variant allele.
Comment: CARS1: PM2:Supporting, BP4, BP7